The following is an entry in ClinVar:

NM_002386.4(MC1R):c.688C>G (p.Pro230Ala)

Gene: MC1R (melanocortin 1 receptor; plus strand). Cytogenetic location: 16q24.3.
Variant type: single nucleotide variant.
Coding change: c.688C>G on transcript NM_002386.4 (MANE Select); coding-DNA position 688, C replaced by G.
Protein change: p.Pro230Ala; replaces proline 230 with alanine.
Molecular consequence: missense variant.
Genome position (GRCh38, 1-based): chr16:89,919,946, C>G. VCF-style: chr16-89919946-C-G. GRCh37 (hg19) VCF-style: chr16-89986354-C-G.
Other names: short protein forms P230A.
Identifiers: ClinVar variation 3871078 (VCV003871078.1).

ClinVar aggregate classification (germline): Uncertain significance (1 of 4 stars; one submission).

Submission:

Ambry Genetics
Classification: Uncertain significance. Last evaluated: 2025-01-04. Review status: criteria provided, single submitter. Criteria: Ambry Variant Classification Scheme 2023. Collection method: clinical testing. Allele origin: germline.
Comment: The p.P230A variant (also known as c.688C>G), located in coding exon 1 of the MC1R gene, results from a C to G substitution at nucleotide position 688. The proline at codon 230 is replaced by alanine, an amino acid with highly similar properties. This amino acid position is conserved. In addition, this alteration is predicted to be tolerated by in silico analysis. Based on the available evidence, the clinical significance of this variant remains unclear.